The following is an entry in ClinVar:

ClinVar aggregate classification (germline): Uncertain significance (1 of 4 stars; one submission).

Conditions:
Early-infantile DEE. Also called: Ohtahara syndrome; Early infantile epileptic encephalopathy with suppression bursts; Early infantile epileptic encephalopathy. Identifiers: Orphanet 1934, MedGen C0393706, MONDO:0800491.

Allele frequency attached by ClinVar (database versions not stated): gnomAD exomes below 0.00001; ExAC 0.00001; gnomAD 0.00001.
gnomAD v4.1: 3 of 1,613,218 alleles (0.00019%); highest among the groups gnomAD compares: East Asian, 0.0022%; no homozygotes.

Submission:

Labcorp Genetics (formerly Invitae), Labcorp
Classification: Uncertain significance for Early-infantile DEE. Last evaluated: 2019-11-26. Review status: criteria provided, single submitter. Criteria: Invitae Variant Classification Sherloc (09022015). Collection method: clinical testing. Allele origin: germline.
Comment: In summary, the available evidence is currently insufficient to determine the role of this variant in disease. Therefore, it has been classified as a Variant of Uncertain Significance. Algorithms developed to predict the effect of missense changes on protein structure and function are either unavailable or do not agree on the potential impact of this missense change (SIFT: "Deleterious"; PolyPhen-2: "Possibly Damaging"; Align-GVGD: "Class C0"). This variant has not been reported in the literature in individuals with CACNA2D2-related conditions. This variant is present in population databases (rs772309641, ExAC 0.009%). This sequence change replaces threonine with isoleucine at codon 626 of the CACNA2D2 protein (p.Thr626Ile). The threonine residue is moderately conserved and there is a moderate physicochemical difference between threonine and isoleucine.

NM_006030.4(CACNA2D2):c.1877C>T (p.Thr626Ile)

Gene: CACNA2D2 (calcium voltage-gated channel auxiliary subunit alpha2delta 2; minus strand). Cytogenetic location: 3p21.31.
Variant type: single nucleotide variant.
Coding change: c.1877C>T on transcript NM_006030.4 (MANE Select); coding-DNA position 1877, C replaced by T.
Protein change: p.Thr626Ile; replaces threonine 626 with isoleucine.
Molecular consequence: missense variant.
Genome position (GRCh38, 1-based): chr3:50,375,674, G>A on the plus strand (C>T on the coding strand, the complement: CACNA2D2 is on the minus strand). VCF-style: chr3-50375674-G-A. GRCh37 (hg19) VCF-style: chr3-50413105-G-A.
Other names: c.1877C>T, p.Thr626Ile (NM_001005505.3, NM_001174051.3); c.1670C>T, p.Thr557Ile (NM_001291101.1); short protein forms T626I, T557I.
Identifiers: ClinVar variation 838143 (VCV000838143.7), dbSNP rs772309641, ClinGen allele CA2418690.